The following is an entry in ClinVar:

NM_003664.5(AP3B1):c.2007G>T (p.Glu669Asp)

Gene: AP3B1 (adaptor related protein complex 3 subunit beta 1; minus strand). Cytogenetic location: 5q14.1.
Variant type: single nucleotide variant.
Coding change: c.2007G>T on transcript NM_003664.5 (MANE Select); coding-DNA position 2007, G replaced by T.
Protein change: p.Glu669Asp; replaces glutamic acid 669 with aspartic acid.
Molecular consequence: missense variant.
Genome position (GRCh38, 1-based): chr5:78,116,196, C>A on the plus strand (G>T on the coding strand, the complement: AP3B1 is on the minus strand). VCF-style: chr5-78116196-C-A. GRCh37 (hg19) VCF-style: chr5-77412020-C-A.
Other names: c.2007G>T (NM_003664.3); c.1860G>T, p.Glu620Asp (NM_001271769.2); short protein forms E620D, E669D.
Identifiers: ClinVar variation 1375262 (VCV001375262.7), dbSNP rs781781671, ClinGen allele CA3316894.
Genomic context (GRCh38, chr5:78,116,196, plus strand): 5'-GCTACTATCAGAAGAGTCCTCCTCTTCCTCAGATTCAGAATAAAACTTCTTAGCAGAATT[C>A]TCTTGCTTTGCTTTTCCTGCTGGGGTCCATTCTTTTGCCTGTTTAAACAAATAAAGTAAA-3'
Protein context (NP_003655.3, residues 659-679): EWTPAGKAKQ[Glu669Asp]NSAKKFYSES

ClinVar aggregate classification (germline): Uncertain significance. Review status: criteria provided, multiple submitters, no conflicts (2 of 4 stars). 2 submissions from 2 submitters: Uncertain significance (2). Last evaluated 2024-04-23.

Conditions:
Inborn genetic diseases. Identifiers: MedGen C0950123, MeSH D030342.
Hermansky-Pudlak syndrome 2 (HPS2). Also called: Platelet defects and oculocutaneous albinism. Identifiers: Orphanet 183678, Orphanet 79430, MedGen C1842362, MONDO:0011997, OMIM 608233.

Allele frequency attached by ClinVar (database versions not stated): gnomAD exomes below 0.00001 and 0.00001; gnomAD 0.00001 and 0.00002; TOPMed 0.00001; ExAC 0.00002.
gnomAD v4.1: 7 of 1,613,802 alleles (0.00043%); highest among the groups gnomAD compares: East Asian, 0.0089%; no homozygotes.

Submissions (2):

Ambry Genetics
Classification: Uncertain significance for Inborn genetic diseases. Last evaluated: 2024-04-23. Review status: criteria provided, single submitter. Criteria: Ambry Variant Classification Scheme 2023. Collection method: clinical testing. Allele origin: germline.

Labcorp Genetics (formerly Invitae), Labcorp
Classification: Uncertain significance for Hermansky-Pudlak syndrome 2. Last evaluated: 2023-12-04. Review status: criteria provided, single submitter. Criteria: Invitae Variant Classification Sherloc (09022015). Collection method: clinical testing. Allele origin: germline.
Comment: This sequence change replaces glutamic acid, which is acidic and polar, with aspartic acid, which is acidic and polar, at codon 669 of the AP3B1 protein (p.Glu669Asp). This variant is present in population databases (rs781781671, gnomAD 0.01%). This variant has not been reported in the literature in individuals affected with AP3B1-related conditions. ClinVar contains an entry for this variant (Variation ID: 1375262). An algorithm developed to predict the effect of missense changes on protein structure and function (PolyPhen-2) suggests that this variant¬†is likely to be tolerated. In summary, the available evidence is currently insufficient to determine the role of this variant in disease. Therefore, it has been classified as a Variant of Uncertain Significance.